The following is an entry in ClinVar:

NM_012452.3(TNFRSF13B):c.236A>G (p.Tyr79Cys)

Gene: TNFRSF13B (TNF receptor superfamily member 13B; minus strand). Cytogenetic location: 17p11.2.
Variant type: single nucleotide variant.
Coding change: c.236A>G on transcript NM_012452.3 (MANE Select); coding-DNA position 236, A replaced by G.
Protein change: p.Tyr79Cys; replaces tyrosine 79 with cysteine.
Molecular consequence: missense variant.
Genome position (GRCh38, 1-based): chr17:16,948,947, T>C on the plus strand (A>G on the coding strand, the complement: TNFRSF13B is on the minus strand). VCF-style: chr17-16948947-T-C. GRCh37 (hg19) VCF-style: chr17-16852261-T-C.
Other names: short protein forms Y79C.
Identifiers: ClinVar variation 281110 (VCV000281110.41), dbSNP rs72553876, ClinGen allele CA8414061.

ClinVar aggregate classification (germline): Conflicting classifications of pathogenicity. Review status: criteria provided, conflicting classifications (1 of 4 stars). 13 submissions from 13 submitters: Likely pathogenic (7); Uncertain significance (6). Last evaluated 2026-09-28.

Conditions:
Immunodeficiency, common variable, 2 (CVID2). Also called: HYPOGAMMAGLOBULINEMIA DUE TO TACI DEFICIENCY; ANTIBODY DEFICIENCY DUE TO TACI DEFECT. Identifiers: Orphanet 1572, MedGen C3150354, MONDO:0009413, OMIM 240500.
TNFRSF13B-related disorder. Also called: TNFRSF13B-related condition.
Immunoglobulin A deficiency 2 (IGAD2). Identifiers: MedGen C1836032, MONDO:0012291, OMIM 609529.

Allele frequency attached by ClinVar (database versions not stated): 1000 Genomes Project 0.00020; gnomAD 0.00021 and 0.00018; ESP Exome Variant Server 0.00008; ExAC 0.00012; TOPMed 0.00023; gnomAD exomes 0.00018 and 0.00027; 1000 Genomes Project 30x 0.00031.
gnomAD v4.1: 436 of 1,614,188 alleles (0.027%); highest among the groups gnomAD compares: Admixed American, 0.063%; no homozygotes.

Submissions (13):

GeneDx
Classification: Likely pathogenic. Last evaluated: 2026-09-28. Review status: criteria provided, single submitter. Criteria: GeneDx Variant Classification Process June 2021. Collection method: clinical testing. Allele origin: germline.
Comment: Identified in the presence of a second TNFRSF13B variant in siblings with IgG subclass deficiency, one of whom had recurrent infections requiring IVIG therapy; however, their heterozygous mother was unaffected and father with dysgammaglobulinemia or IgG subclass deficiency was not tested (PMID: 18981294); Identified in the heterozygous state in patients with features of TNFRSF13B-related immunodeficiency, though segregation information was not provided (PMID: 31980526, 34093558); Surface expression studies support that the Y79C variant is damaging to the TNFRSF13B protein (PMID: 21419480); In silico analysis supports that this missense variant has a deleterious effect on protein structure/function; This variant is associated with the following publications: (PMID: 18954329, 21458042, 22884984, 32581362, 21419480, Pundit2023[abstract], 18981294, 34093558, 31980526, 40959164)

PreventionGenetics, part of Exact Sciences
Classification: Likely pathogenic for TNFRSF13B-related condition. Last evaluated: 2026-08-24. Review status: criteria provided, single submitter. Criteria: ACMG Guidelines, 2015. Collection method: clinical testing. Allele origin: germline.
Comment: The TNFRSF13B c.236A>G variant is predicted to result in the amino acid substitution p.Tyr79Cys. This variant has been reported in the compound heterozygous state in two individuals with IgG subclass deficiency from the same family (Salzer et al. 2009. PubMed ID: 18981294). Of note, this variant was also seen in the heterozygous state in a healthy member of that same family (Salzer et al. 2009. PubMed ID: 18981294). This variant has also been reported in the heterozygous state in individuals with common variable immunodeficiency or hypogammaglobulinemia/dysgammaglobulinemia (Freiberger et al. 2012. PubMed ID: 22884984; Engelbrecht et al. 2021. PubMed ID: 34093558). Functional studies have shown that the c.236A>G variant alters protein function (Bacchelli et al 2011. PubMed ID: 21458042; Fried et al. 2011. PubMed ID: 21419480). This variant is reported in 0.051% of alleles in individuals of Latino descent in gnomAD. This variant is interpreted as likely pathogenic.

OLLIN Analises Genomicas, OLLIN
Classification: Uncertain significance for Immunodeficiency, common variable, 2. Last evaluated: 2026-02-13. Review status: criteria provided, single submitter. Criteria: ACMG Guidelines 2015 PMID 25741868. Collection method: clinical testing. Allele origin: germline. Observed: 2 variant alleles.
Comment: PS3_P, PM2_P, PM3_P, PP3_M

Dasa
Classification: Likely pathogenic. Last evaluated: 2026-01-21. Review status: criteria provided, single submitter. Criteria: DASA Assertion Criteria. Collection method: clinical testing. Allele origin: germline.
Comment: NM_012452.3(TNFRSF13B):c.236A>G (p.Tyr79Cys) is a missense variant that results in the substitution of tyrosine with cysteine. Segregation data support an association with disease in the reported family/families (PMID: 18981294). This variant has been reported in individuals with TNFRSF13B-related disorders (PMID: 18981294). Functional evidence supports an impact on the gene or gene product. Also, this variant is rare in population databases. Computational evidence supports a deleterious effect. Based on the currently available evidence, this variant is classified as likely pathogenic.

First Genomix Gene Laboratory, Genetic Diagnostics Department
Classification: Likely pathogenic for Immunoglobulin A deficiency 2; Immunodeficiency, common variable, 2. Last evaluated: 2025-11-13. Review status: criteria provided, single submitter. Criteria: ACMG Guidelines, 2015. Collection method: clinical testing. Allele origin: germline. Inheritance: Autosomal recessive inheritance. Affected: no. Observed: 1 variant allele.

Blueprint Genetics
Classification: Uncertain significance. Last evaluated: 2024-11-05. Review status: criteria provided, single submitter. Criteria: ACMG Guidelines, 2015. Collection method: clinical testing. Allele origin: germline.

Revvity Omics, Revvity
Classification: Likely pathogenic. Last evaluated: 2024-04-26. Review status: criteria provided, single submitter. Criteria: ACMG Guidelines, 2015. Collection method: clinical testing. Allele origin: germline.

Department of Pathology and Laboratory Medicine, Sinai Health System
Classification: Likely pathogenic for Immunodeficiency, common variable, 2. Last evaluated: 2023-08-28. Review status: criteria provided, single submitter. Criteria: ACMG Guidelines, 2015. Collection method: research. Allele origin: germline.

Labcorp Genetics (formerly Invitae), Labcorp
Classification: Uncertain significance for Immunodeficiency, common variable, 2. Last evaluated: 2022-10-12. Review status: criteria provided, single submitter. Criteria: Invitae Variant Classification Sherloc (09022015). Collection method: clinical testing. Allele origin: germline.
Comment: This sequence change replaces tyrosine, which is neutral and polar, with cysteine, which is neutral and slightly polar, at codon 79 of the TNFRSF13B protein (p.Tyr79Cys). This variant is present in population databases (rs72553876, gnomAD 0.05%). This missense change has been observed in individual(s) with common variable immunodeficiency (CVID), IgG subclass deficiency, and/or primary immune disorders (PMID: 18981294, 22884984, 32581362, 34093558). ClinVar contains an entry for this variant (Variation ID: 281110). Advanced modeling of protein sequence and biophysical properties (such as structural, functional, and spatial information, amino acid conservation, physicochemical variation, residue mobility, and thermodynamic stability) performed at Invitae indicates that this missense variant is expected to disrupt TNFRSF13B protein function. Experimental studies have shown that this missense change affects TNFRSF13B function (PMID: 18954329, 21419480, 21458042). In summary, the available evidence is currently insufficient to determine the role of this variant in disease. Therefore, it has been classified as a Variant of Uncertain Significance.

Mendelics
Classification: Uncertain significance. Last evaluated: 2022-05-04. Review status: criteria provided, single submitter. Criteria: Mendelics Assertion Criteria 2019. Collection method: clinical testing. Allele origin: germline.

Laboratorio de Genetica e Diagnostico Molecular, Hospital Israelita Albert Einstein
Classification: Uncertain significance for Immunodeficiency, common variable, 2. Last evaluated: 2021-04-01. Review status: criteria provided, single submitter. Criteria: ACMG Guidelines, 2015. Collection method: clinical testing. Allele origin: germline. Affected: yes.
Comment: ACMG classification criteria: PS3 supporting, PM3 supporting, PP3

ARUP Laboratories, Molecular Genetics and Genomics, ARUP Laboratories
Classification: Likely pathogenic. Last evaluated: 2017-04-07. Review status: criteria provided, single submitter. Criteria: ARUP Molecular Germline Variant Investigation Process. Collection method: clinical testing. Allele origin: germline.

Eurofins Ntd Llc (ga)
Classification: Uncertain significance. Last evaluated: 2015-11-19. Review status: criteria provided, single submitter. Criteria: EGL Classification Definitions 2015. Collection method: clinical testing. Allele origin: germline. Observed: 1 variant allele, 1 heterozygote.

Literature cited by the submitters: PubMed 18981294 (cited by Dasa and Labcorp Genetics (formerly Invitae), Labcorp); PubMed 22884984 (cited by Labcorp Genetics (formerly Invitae), Labcorp); PubMed 32581362 (cited by Labcorp Genetics (formerly Invitae), Labcorp); PubMed 34093558 (cited by Labcorp Genetics (formerly Invitae), Labcorp); PubMed 18954329 (cited by Labcorp Genetics (formerly Invitae), Labcorp); PubMed 21419480 (cited by Labcorp Genetics (formerly Invitae), Labcorp); PubMed 21458042 (cited by Labcorp Genetics (formerly Invitae), Labcorp).